The following is an entry in ClinVar:

NM_152672.6(SLC51A):c.634-4C>T

Gene: SLC51A (solute carrier family 51 member A; plus strand). Cytogenetic location: 3q29.
Variant type: single nucleotide variant.
Coding change: c.634-4C>T on transcript NM_152672.6 (MANE Select); 4 bases into the intron before coding-DNA position 634, C replaced by T.
Molecular consequence: intron variant.
Genome position (GRCh38, 1-based): chr3:196,229,911, C>T. VCF-style: chr3-196229911-C-T. GRCh37 (hg19) VCF-style: chr3-195956782-C-T.
Identifiers: ClinVar variation 5002541 (VCV005002541.1).

ClinVar aggregate classification (germline): Likely benign (1 of 4 stars; one submission).

Conditions:
SLC51A-related disorder. Also called: SLC51A-related condition.

Submission:

PreventionGenetics, part of Exact Sciences
Classification: Likely benign for SLC51A-related condition. Last evaluated: 2025-04-09. Review status: criteria provided, single submitter. Criteria: ACMG Guidelines, 2015. Collection method: clinical testing. Allele origin: germline.
Comment: This variant is classified as likely benign based on ACMG/AMP sequence variant interpretation guidelines (Richards et al. 2015 PMID: 25741868, with internal and published modifications).